The following is an entry in ClinVar:

ClinVar aggregate classification (germline): Uncertain significance. Review status: criteria provided, multiple submitters, no conflicts (2 of 4 stars). 2 submissions from 2 submitters: Uncertain significance (2). Last evaluated 2025-10-14.

Conditions:
Hereditary cancer-predisposing syndrome. Also called: Neoplastic Syndromes, Hereditary; Hereditary Cancer Syndrome; Tumor predisposition; Hereditary neoplastic syndrome. Identifiers: Orphanet 140162, MedGen C0027672, MeSH D009386, MONDO:0015356.
Gorlin syndrome. Also called: Nevoid Basal Cell Carcinoma Syndrome; Basal cell nevus syndrome. Identifiers: Orphanet 377, MedGen C0004779, MONDO:0007187.

Submissions (2):

Labcorp Genetics (formerly Invitae), Labcorp
Classification: Uncertain significance for Gorlin syndrome. Last evaluated: 2025-10-14. Review status: criteria provided, single submitter. Criteria: Invitae Variant Classification Sherloc (09022015). Collection method: clinical testing. Allele origin: germline.
Comment: This sequence change replaces serine, which is neutral and polar, with cysteine, which is neutral and slightly polar, at codon 494 of the PTCH1 protein (p.Ser494Cys). This variant is not present in population databases (gnomAD no frequency). This variant has not been reported in the literature in individuals affected with PTCH1-related conditions. ClinVar contains an entry for this variant (Variation ID: 2564382). Invitae Evidence Modeling of protein sequence and biophysical properties (such as structural, functional, and spatial information, amino acid conservation, physicochemical variation, residue mobility, and thermodynamic stability) has been performed for this missense variant. However, the output from this modeling did not meet the statistical confidence thresholds required to predict the impact of this variant on PTCH1 protein function. In summary, the available evidence is currently insufficient to determine the role of this variant in disease. Therefore, it has been classified as a Variant of Uncertain Significance.

Ambry Genetics
Classification: Uncertain significance for Hereditary cancer-predisposing syndrome. Last evaluated: 2023-04-24. Review status: criteria provided, single submitter. Criteria: Ambry Variant Classification Scheme 2023. Collection method: clinical testing. Allele origin: germline.
Comment: The p.S494C variant (also known as c.1481C>G), located in coding exon 10 of the PTCH1 gene, results from a C to G substitution at nucleotide position 1481. The serine at codon 494 is replaced by cysteine, an amino acid with dissimilar properties. This amino acid position is conserved. In addition, this alteration is predicted to be deleterious by in silico analysis. Since supporting evidence is limited at this time, the clinical significance of this alteration remains unclear.

NM_000264.5(PTCH1):c.1481C>G (p.Ser494Cys)

Gene: PTCH1 (patched 1; minus strand). Cytogenetic location: 9q22.32.
Variant type: single nucleotide variant.
Coding change: c.1481C>G on transcript NM_000264.5 (MANE Select); coding-DNA position 1481, C replaced by G.
Protein change: p.Ser494Cys; replaces serine 494 with cysteine.
Molecular consequence: missense variant. On other transcripts: non-coding transcript variant (1), intron variant (1).
Genome position (GRCh38, 1-based): chr9:95,477,569, G>C on the plus strand (C>G on the coding strand, the complement: PTCH1 is on the minus strand). VCF-style: chr9-95477569-G-C. GRCh37 (hg19) VCF-style: chr9-98239851-G-C.
Other names: c.1283C>G, p.Ser428Cys (NM_001083602.3); c.1478C>G, p.Ser493Cys (NM_001083603.3); c.1028C>G, p.Ser343Cys (NM_001083604.3, NM_001083605.3, NM_001083606.3 and 1 more transcripts); c.1347+486C>G (NM_001354918.2); short protein forms S494C, S343C, S428C, S493C.
Identifiers: ClinVar variation 2564382 (VCV002564382.5), dbSNP rs2118303338, ClinGen allele CA374118416.
Genomic context (GRCh38, chr9:95,477,569, plus strand): 5'-TTTGTCAACGGACAGCAGATAAATGGCTCCTTTAGTACCTGAGTTGTTGCAGCGTTAAAG[G>C]AAATTCCGATCAATGAGCACAGGCCCAGTCCTGCAGCCACTGACAGTGCAACCAGCAGGA-3'
Protein context (NP_000255.2, residues 484-504): GLGLCSLIGI[Ser494Cys]FNAATTQVLP